The following is an entry in ClinVar:

ClinVar aggregate classification (germline): Likely pathogenic (1 of 4 stars; one submission).

Submission:

GeneDx
Classification: Likely pathogenic. Last evaluated: 2022-06-24. Review status: criteria provided, single submitter. Criteria: GeneDx Variant Classification Process June 2021. Collection method: clinical testing. Allele origin: germline. Affected: yes.
Comment: Frameshift variant predicted to result in protein truncation, as the last 1250 amino acids are replaced with 59 different amino acids, and other loss-of-function variants have been reported downstream in the Human Gene Mutation Database (HGMD); Not observed in large population cohorts (gnomAD); Has not been previously published as pathogenic or benign to our knowledge; This variant is associated with the following publications: (PMID: 27535533)

NM_019066.5(MAGEL2):c.535del (p.Met179fs)

Gene: MAGEL2 (MAGE family member L2; minus strand). Cytogenetic location: 15q11.2.
Variant type: Deletion.
Coding change: c.535del on transcript NM_019066.5 (MANE Select); coding-DNA position 535, one base deleted (A; older notation c.535delA).
Protein change: p.Met179fs; shifts the reading frame from methionine 179.
Molecular consequence: frameshift variant.
Genome position (GRCh38, 1-based): chr15:23,647,208, T deleted on the plus strand (A on the coding strand, the reverse complement: MAGEL2 is on the minus strand). VCF-style (leftmost placement, unchanged base first): chr15-23647207-AT-A. GRCh37 (hg19) VCF-style: chr15-23892354-AT-A.
Other names: short protein forms M179fs.
Identifiers: ClinVar variation 1693049 (VCV001693049.2), dbSNP rs2140718451, ClinGen allele CA2573150517.